The following is an entry in ClinVar:

NM_001372066.1(TFAP2A):c.1221C>T (p.Ala407=)

Gene: TFAP2A (transcription factor AP-2 alpha; minus strand). Cytogenetic location: 6p24.3.
Variant type: single nucleotide variant.
Coding change: c.1221C>T on transcript NM_001372066.1 (MANE Select); coding-DNA position 1221, C replaced by T.
Protein change: p.Ala407=; no amino-acid change (alanine 407 retained).
Molecular consequence: synonymous variant.
Genome position (GRCh38, 1-based): chr6:10,398,516, G>A on the plus strand (C>T on the coding strand, the complement: TFAP2A is on the minus strand). VCF-style: chr6-10398516-G-A. GRCh37 (hg19) VCF-style: chr6-10398749-G-A.
Other names: c.1197C>T, p.Ala399= (NM_001032280.3); c.1203C>T, p.Ala401= (NM_001042425.3).
Identifiers: ClinVar variation 3389609 (VCV003389609.14).
Genomic context (GRCh38, chr6:10,398,516, plus strand): 5'-GTTGTTGTCCGTGTGGCTGTTGGGGTTGTTGCTGAGGTACATTTTGTCCATGGCCTTGAG[G>A]GCCTCGGTGAGATAGTTCTGCAGGGCCGTGACCGCGGCACACACCGCGGGGCTGCCGAAG-3'
Protein context (NP_001358995.1, residues 397-417): VTALQNYLTE[Ala407=]LKAMDKMYLS

ClinVar aggregate classification (germline): Likely benign (1 of 4 stars; one submission).

Submission:

CeGaT Center for Human Genetics Tuebingen
Classification: Likely benign. Last evaluated: 2024-09-01. Review status: criteria provided, single submitter. Criteria: CeGaT Center For Human Genetics Tuebingen Variant Classification Criteria Version 2. Collection method: clinical testing. Allele origin: germline. Affected: yes. Observed: 1 variant allele.
Comment: TFAP2A: PM2:Supporting, BP4, BP7